The following is an entry in ClinVar:

NM_004304.5(ALK):c.3178C>A (p.Arg1060Ser)

Gene: ALK (ALK receptor tyrosine kinase; minus strand). Cytogenetic location: 2p23.2.
Variant type: single nucleotide variant.
Coding change: c.3178C>A on transcript NM_004304.5 (MANE Select); coding-DNA position 3178, C replaced by A.
Protein change: p.Arg1060Ser; replaces arginine 1060 with serine.
Molecular consequence: missense variant. On other transcripts: 5 prime UTR variant (1).
Genome position (GRCh38, 1-based): chr2:29,223,523, G>T on the plus strand (C>A on the coding strand, the complement: ALK is on the minus strand). VCF-style: chr2-29223523-G-T. GRCh37 (hg19) VCF-style: chr2-29446389-G-T.
Other names: c.-27C>A (NM_001353765.2); short protein forms R1060S.
Identifiers: ClinVar variation 4271448 (VCV004271448.1).
Genomic context (GRCh38, chr2:29,223,523, plus strand): 5'-GCTTGTACTCAGGGCTCTGCAGCTCCATCTGCATGGCTTGCAGCTCCTGGTGCTTCCGGC[G>T]GTACACTGCAGGTGGGTGGTCAGCTGCAACATGGCCTGGCAGCCTGGCCCTTGAAGCACT-3'
Protein context (NP_004295.2, residues 1050-1070): LAFSGIMIVY[Arg1060Ser]RKHQELQAMQ

ClinVar aggregate classification (germline): Uncertain significance (1 of 4 stars; one submission).

Conditions:
Hereditary cancer-predisposing syndrome. Also called: Hereditary Cancer Syndrome; Hereditary neoplastic syndrome; Neoplastic Syndromes, Hereditary; Tumor predisposition. Identifiers: Orphanet 140162, MedGen C0027672, MeSH D009386, MONDO:0015356.

Submission:

Ambry Genetics
Classification: Uncertain significance for Hereditary cancer-predisposing syndrome. Last evaluated: 2025-08-12. Review status: criteria provided, single submitter. Criteria: Ambry Variant Classification Scheme 2023. Collection method: clinical testing. Allele origin: germline.
Comment: The p.R1060S variant (also known as c.3178C>A), located in coding exon 20 of the ALK gene, results from a C to A substitution at nucleotide position 3178. The arginine at codon 1060 is replaced by serine, an amino acid with dissimilar properties. This amino acid position is highly conserved in available vertebrate species. In addition, this alteration is predicted to be deleterious by in silico analysis. Based on the available evidence, the clinical significance of this variant remains unclear.